The following is an entry in ClinVar:

NM_024422.6(DSC2):c.1042G>A (p.Val348Ile)

Gene: DSC2 (desmocollin 2; minus strand). Cytogenetic location: 18q12.1.
Variant type: single nucleotide variant.
Coding change: c.1042G>A on transcript NM_024422.6 (MANE Select); coding-DNA position 1042, G replaced by A.
Protein change: p.Val348Ile; replaces valine 348 with isoleucine.
Molecular consequence: missense variant.
Genome position (GRCh38, 1-based): chr18:31,082,961, C>T on the plus strand (G>A on the coding strand, the complement: DSC2 is on the minus strand). VCF-style: chr18-31082961-C-T. GRCh37 (hg19) VCF-style: chr18-28662927-C-T.
Other names: c.1042G>A, p.Val348Ile (NM_004949.5); c.613G>A, p.Val205Ile (NM_001406506.1, NM_001406507.1); short protein forms V348I, V205I.
Identifiers: ClinVar variation 3505317 (VCV003505317.2).

ClinVar aggregate classification (germline): Uncertain significance. Review status: criteria provided, multiple submitters, no conflicts (2 of 4 stars). 2 submissions from 2 submitters: Uncertain significance (2). Last evaluated 2025-05-30.

Conditions:
Cardiomyopathy (CMYO). Also called: Cardiomyopathies. Identifiers: Orphanet 167848, MedGen C0878544, MONDO:0004994, HP:0001638. Inheritance: Various modes of inheritance.
Cardiovascular phenotype. Identifiers: MedGen CN230736.

gnomAD v4.1: 1 of 1,613,452 alleles (0.000062%); highest among the groups gnomAD compares: Non-Finnish European, 0.000085%; no homozygotes.

Submissions (2):

Color Diagnostics, LLC DBA Color Health
Classification: Uncertain significance for Cardiomyopathy. Last evaluated: 2025-05-30. Review status: criteria provided, single submitter. Criteria: ACMG Guidelines, 2015. Collection method: clinical testing. Allele origin: germline.
Comment: This missense variant replaces valine with isoleucine at codon 348 of the DSC2 protein. Computational prediction suggests that this variant may not impact protein structure and function. To our knowledge, functional studies have not been reported for this variant. This variant has not been reported in individuals affected with DSC2-related disorders in the literature. This variant has not been identified in the general population by the Genome Aggregation Database (gnomAD). The available evidence is insufficient to determine the role of this variant in disease conclusively. Therefore, this variant is classified as a Variant of Uncertain Significance.

Ambry Genetics
Classification: Uncertain significance for Cardiovascular phenotype. Last evaluated: 2024-09-11. Review status: criteria provided, single submitter. Criteria: Ambry Variant Classification Scheme 2023. Collection method: clinical testing. Allele origin: germline.
Comment: The p.V348I variant (also known as c.1042G>A), located in coding exon 8 of the DSC2 gene, results from a G to A substitution at nucleotide position 1042. The valine at codon 348 is replaced by isoleucine, an amino acid with highly similar properties. This amino acid position is conserved. In addition, this alteration is predicted to be tolerated by in silico analysis. Based on the available evidence, the clinical significance of this variant remains unclear.